The following is an entry in ClinVar:

NM_003900.5(SQSTM1):c.-25G>A

Gene: SQSTM1 (sequestosome 1; plus strand). Cytogenetic location: 5q35.3.
Variant type: single nucleotide variant.
Coding change: c.-25G>A on transcript NM_003900.5 (MANE Select); 25 bases upstream of the start codon, G replaced by A.
Molecular consequence: 5 prime UTR variant. On other transcripts: intron variant (2).
Genome position (GRCh38, 1-based): chr5:179,820,912, G>A. VCF-style: chr5-179820912-G-A. GRCh37 (hg19) VCF-style: chr5-179247912-G-A.
Other names: c.-47-2046G>A (NM_001142298.2, NM_001142299.2).
Identifiers: ClinVar variation 353152 (VCV000353152.5), dbSNP rs74523483, ClinGen allele CA3600337.

ClinVar aggregate classification (germline): Benign (1 of 4 stars; one submission).

Conditions:
Paget disease of bone 3. Identifiers: MedGen C4085252, MONDO:0008176, OMIM 167250.

Allele frequency attached by ClinVar (database versions not stated): gnomAD exomes 0.00178; ExAC 0.00653; ESP Exome Variant Server 0.01026; gnomAD 0.01238 and 0.01321; 1000 Genomes Project 0.01298; 1000 Genomes Project 30x 0.01327; TOPMed 0.01343.
gnomAD v4.1: 3,375 of 1,498,294 alleles (0.23%); highest among the groups gnomAD compares: African/African-American, 4.4%; 77 homozygotes.

Submission:

Illumina Laboratory Services, Illumina
Classification: Benign for Paget disease of bone 3. Last evaluated: 2018-01-13. Review status: criteria provided, single submitter. Criteria: ICSL Variant Classification Criteria 13 December 2019. Collection method: clinical testing. Allele origin: germline.
Comment: This variant was observed in the ICSL laboratory as part of a predisposition screen in an ostensibly healthy population. It had not been previously curated by ICSL or reported in the Human Gene Mutation Database (HGMD: prior to June 1st, 2018), and was therefore a candidate for classification through an automated scoring system. Utilizing variant allele frequency, disease prevalence and penetrance estimates, and inheritance mode, an automated score was calculated to assess if this variant is too frequent to cause the disease. Based on the score and internal cut-off values, a variant classified as benign is not then subjected to further curation. The score for this variant resulted in a classification of benign for this disease.